The following is an entry in ClinVar:

ClinVar aggregate classification (germline): Pathogenic. Review status: reviewed by expert panel (3 of 4 stars). 2 submissions from 2 submitters: Pathogenic (1). 1 of the submissions does not count toward it. Last evaluated 2022-06-12.

Conditions:
Phenylketonuria (PKU). Also called: Phenylketonuria (PKU); FOLLING DISEASE; OLIGOPHRENIA PHENYLPYRUVICA; Phenylketonurias. Identifiers: Orphanet 716, MedGen C0031485, MONDO:0009861, OMIM 261600. Disease mechanism: loss of function.

Submissions (2):

ClinGen PAH Variant Curation Expert Panel
Classification: Pathogenic for Phenylketonuria. Last evaluated: 2022-06-12. Review status: reviewed by expert panel. Criteria: ClinGen PAH ACMG Specifications v1. Collection method: curation. Allele origin: germline. Inheritance: Autosomal recessive inheritance.
Comment: The c.1021A>T (p.Lys341Ter) nonsense variant occurs in exon 10 of 13 and is predicted to result in NMD. It absent from population databases, including gnomAD. It has been reported in at least one patient with cPKU (PMID: 9452062), compound heterozygous with R408W c.1315+1G>A (ClinVar 576, Pathogenic reviewed by PAH VCEP). In summary, this variant meets criteria to be classified as pathogenic for PAH. PAH-specific ACMG/AMP criteria applied: PVS1, PM2, PM3_supporting, PP4.

DeBelle Laboratory for Biochemical Genetics, MUHC/MCH RESEARCH INSTITUTE
No classification provided. Review status: no classification provided. Collection method: not provided. Allele origin: not provided. Not counted in ClinVar's aggregate classification.

NM_000277.3(PAH):c.1021A>T (p.Lys341Ter)

Gene: PAH (phenylalanine hydroxylase; minus strand). Cytogenetic location: 12q23.2.
Variant type: single nucleotide variant.
Coding change: c.1021A>T on transcript NM_000277.3 (MANE Select); coding-DNA position 1021, A replaced by T.
Protein change: p.Lys341Ter; replaces lysine 341 with a stop codon.
Molecular consequence: nonsense.
Genome position (GRCh38, 1-based): chr12:102,844,380, T>A on the plus strand (A>T on the coding strand, the complement: PAH is on the minus strand). VCF-style: chr12-102844380-T-A. GRCh37 (hg19) VCF-style: chr12-103238158-T-A.
Other names: NM_000277.3(PAH):c.1021A>T; p.Lys341Ter; c.1021A>T, p.Lys341Ter (NM_001354304.2); short protein forms K341*.
Identifiers: ClinVar variation 102470 (VCV000102470.2), dbSNP rs62517200, ClinGen allele CA229272.